The following is an entry in ClinVar:

ClinVar aggregate classification (germline): Uncertain significance. Review status: criteria provided, multiple submitters, no conflicts (2 of 4 stars). 2 submissions from 2 submitters: Uncertain significance (2). Last evaluated 2024-03-10.

Conditions:
Hereditary cancer-predisposing syndrome. Also called: Neoplastic Syndromes, Hereditary; Tumor predisposition; Hereditary neoplastic syndrome; Hereditary Cancer Syndrome. Identifiers: Orphanet 140162, MedGen C0027672, MeSH D009386, MONDO:0015356.
Familial adenomatous polyposis 1 (FAP1). Also called: POLYPOSIS, ADENOMATOUS INTESTINAL; FAMILIAL ADENOMATOUS POLYPOSIS 1, ATTENUATED. Identifiers: MedGen C2713442, MONDO:0021056, OMIM 175100. Disease mechanism: loss of function.

Allele frequency attached by ClinVar (database versions not stated): gnomAD 0.00001; TOPMed 0.00001.
gnomAD v4.1: 2 of 1,613,840 alleles (0.00012%); highest among the groups gnomAD compares: African/African-American, 0.0027%; no homozygotes.

Submissions (2):

Ambry Genetics
Classification: Uncertain significance for Hereditary cancer-predisposing syndrome. Last evaluated: 2024-03-10. Review status: criteria provided, single submitter. Criteria: Ambry Variant Classification Scheme 2023. Collection method: clinical testing. Allele origin: germline.
Comment: The p.S2492P variant (also known as c.7474T>C), located in coding exon 15 of the APC gene, results from a T to C substitution at nucleotide position 7474. The serine at codon 2492 is replaced by proline, an amino acid with similar properties. This amino acid position is well conserved in available vertebrate species; however, proline is the reference amino acid in other vertebrate species. In addition, in silico predictors for this gene do not accurately predict pathogenicity. Since supporting evidence is limited at this time, the clinical significance of this alteration remains unclear.

Labcorp Genetics (formerly Invitae), Labcorp
Classification: Uncertain significance for Familial adenomatous polyposis 1. Last evaluated: 2023-11-09. Review status: criteria provided, single submitter. Criteria: Invitae Variant Classification Sherloc (09022015). Collection method: clinical testing. Allele origin: germline.
Comment: This sequence change replaces serine, which is neutral and polar, with proline, which is neutral and non-polar, at codon 2492 of the APC protein (p.Ser2492Pro). This variant is not present in population databases (gnomAD no frequency). This variant has not been reported in the literature in individuals affected with APC-related conditions. ClinVar contains an entry for this variant (Variation ID: 827074). Advanced modeling of protein sequence and biophysical properties (such as structural, functional, and spatial information, amino acid conservation, physicochemical variation, residue mobility, and thermodynamic stability) performed at Invitae indicates that this missense variant is not expected to disrupt APC protein function with a negative predictive value of 95%. In summary, the available evidence is currently insufficient to determine the role of this variant in disease. Therefore, it has been classified as a Variant of Uncertain Significance.

NM_000038.6(APC):c.7474T>C (p.Ser2492Pro)

Gene: APC (APC regulator of Wnt signaling pathway; plus strand). Cytogenetic location: 5q22.2.
Variant type: single nucleotide variant.
Coding change: c.7474T>C on transcript NM_000038.6 (MANE Select); coding-DNA position 7474, T replaced by C.
Protein change: p.Ser2492Pro; replaces serine 2492 with proline.
Molecular consequence: missense variant.
Genome position (GRCh38, 1-based): chr5:112,843,068, T>C. VCF-style: chr5-112843068-T-C. GRCh37 (hg19) VCF-style: chr5-112178765-T-C.
Other names: c.7474T>C, p.Ser2492Pro (NM_001127510.3, NM_001354895.2); c.7420T>C, p.Ser2474Pro (NM_001127511.3); c.7528T>C, p.Ser2510Pro (NM_001354896.2); c.7504T>C, p.Ser2502Pro (NM_001354897.2); c.7399T>C, p.Ser2467Pro (NM_001354898.2); c.7390T>C, p.Ser2464Pro (NM_001354899.2); c.7351T>C, p.Ser2451Pro (NM_001354900.2); c.7297T>C, p.Ser2433Pro (NM_001354901.2); and 5 more; short protein forms S2209P, S2401P, S2474P, S2391P, S2464P, S2467P, S2492P, S2433P.
Identifiers: ClinVar variation 827074 (VCV000827074.14), dbSNP rs1397255611, ClinGen allele CA16037591.